The following is an entry in ClinVar:

NM_015164.4(PLEKHM2):c.632C>T (p.Ala211Val)

Gene: PLEKHM2 (pleckstrin homology and RUN domain containing M2; plus strand). Cytogenetic location: 1p36.21.
Variant type: single nucleotide variant.
Coding change: c.632C>T on transcript NM_015164.4 (MANE Select); coding-DNA position 632, C replaced by T.
Protein change: p.Ala211Val; replaces alanine 211 with valine.
Molecular consequence: missense variant.
Genome position (GRCh38, 1-based): chr1:15,719,900, C>T. VCF-style: chr1-15719900-C-T. GRCh37 (hg19) VCF-style: chr1-16046395-C-T.
Other names: short protein forms A211V.
Identifiers: ClinVar variation 577987 (VCV000577987.8), dbSNP rs373741350, ClinGen allele CA616731.
Genomic context (GRCh38, chr1:15,719,900, plus strand): 5'-GTCTGTCCCTCAACTCTTTCAACTCCGTCACCTCCACCAACCTGGAGTGGGATGACAGTG[C>T]GATTGCCCCATCTAGTGAGGGTGAGTGGCCCCAGGGCAGAAAAGCTAAGCCCCTGTTGTG-3'
Protein context (NP_055979.2, residues 201-221): TSTNLEWDDS[Ala211Val]IAPSSEDYDF

ClinVar aggregate classification (germline): Uncertain significance (1 of 4 stars; one submission).

Allele frequency attached by ClinVar (database versions not stated): ExAC 0.00003; gnomAD 0.00003; gnomAD exomes 0.00004; TOPMed 0.00005; ESP Exome Variant Server 0.00008.
gnomAD v4.1: 70 of 1,612,932 alleles (0.0043%); highest among the groups gnomAD compares: Non-Finnish European, 0.0053%; no homozygotes.

Submission:

Labcorp Genetics (formerly Invitae), Labcorp
Classification: Uncertain significance. Last evaluated: 2025-08-03. Review status: criteria provided, single submitter. Criteria: Invitae Variant Classification Sherloc (09022015). Collection method: clinical testing. Allele origin: germline.
Comment: This sequence change replaces alanine, which is neutral and non-polar, with valine, which is neutral and non-polar, at codon 211 of the PLEKHM2 protein (p.Ala211Val). This variant is present in population databases (rs373741350, gnomAD 0.01%). This variant has not been reported in the literature in individuals affected with PLEKHM2-related conditions. ClinVar contains an entry for this variant (Variation ID: 577987). An algorithm developed to predict the effect of missense changes on protein structure and function (PolyPhen-2) suggests that this variant is likely to be disruptive. In summary, the available evidence is currently insufficient to determine the role of this variant in disease. Therefore, it has been classified as a Variant of Uncertain Significance.